The following is an entry in ClinVar:

ClinVar aggregate classification (germline): Uncertain significance (1 of 4 stars; one submission).

gnomAD v4.1: 4 of 1,613,646 alleles (0.00025%); highest among the groups gnomAD compares: East Asian, 0.0089%; no homozygotes.

Submission:

Labcorp Genetics (formerly Invitae), Labcorp
Classification: Uncertain significance. Last evaluated: 2025-12-03. Review status: criteria provided, single submitter. Criteria: Invitae Variant Classification Sherloc (09022015). Collection method: clinical testing. Allele origin: germline.
Comment: This sequence change replaces serine, which is neutral and polar, with alanine, which is neutral and non-polar, at codon 667 of the GFM2 protein (p.Ser667Ala). This variant is present in population databases (rs781014488, gnomAD 0.02%). This variant has not been reported in the literature in individuals affected with GFM2-related conditions. Invitae Evidence Modeling of protein sequence and biophysical properties (such as structural, functional, and spatial information, amino acid conservation, physicochemical variation, residue mobility, and thermodynamic stability) indicates that this missense variant is not expected to disrupt GFM2 protein function with a negative predictive value of 80%. In summary, the available evidence is currently insufficient to determine the role of this variant in disease. Therefore, it has been classified as a Variant of Uncertain Significance.

NM_032380.5(GFM2):c.1999T>G (p.Ser667Ala)

Gene: GFM2 (GTP dependent ribosome recycling factor mitochondrial 2; minus strand). Cytogenetic location: 5q13.3.
Variant type: single nucleotide variant.
Coding change: c.1999T>G on transcript NM_032380.5 (MANE Select); coding-DNA position 1999, T replaced by G.
Protein change: p.Ser667Ala; replaces serine 667 with alanine.
Molecular consequence: missense variant. On other transcripts: non-coding transcript variant (1).
Genome position (GRCh38, 1-based): chr5:74,725,669, A>C on the plus strand (T>G on the coding strand, the complement: GFM2 is on the minus strand). VCF-style: chr5-74725669-A-C. GRCh37 (hg19) VCF-style: chr5-74021494-A-C.
Other names: c.2095T>G, p.Ser699Ala (NM_001281302.2); c.1858T>G, p.Ser620Ala (NM_170691.3); short protein forms S667A, S620A, S699A.
Identifiers: ClinVar variation 4749097 (VCV004749097.1).